The following is an entry in ClinVar:

ClinVar aggregate classification (germline): Uncertain significance. Review status: criteria provided, multiple submitters, no conflicts (2 of 4 stars). 2 submissions from 2 submitters: Uncertain significance (2). Last evaluated 2025-08-18.

Allele frequency attached by ClinVar (database versions not stated): TOPMed below 0.00001; ExAC 0.00002; gnomAD exomes 0.00002.
gnomAD v4.1: 5 of 1,611,804 alleles (0.00031%); highest among the groups gnomAD compares: Non-Finnish European, 0.00042%; no homozygotes.

Submissions (2):

Labcorp Genetics (formerly Invitae), Labcorp
Classification: Uncertain significance. Last evaluated: 2025-08-18. Review status: criteria provided, single submitter. Criteria: Invitae Variant Classification Sherloc (09022015). Collection method: clinical testing. Allele origin: germline.
Comment: This sequence change replaces glutamic acid, which is acidic and polar, with lysine, which is basic and polar, at codon 871 of the GPR179 protein (p.Glu871Lys). This variant is present in population databases (rs763351074, gnomAD 0.005%). This variant has not been reported in the literature in individuals affected with GPR179-related conditions. ClinVar contains an entry for this variant (Variation ID: 1354112). An algorithm developed to predict the effect of missense changes on protein structure and function (PolyPhen-2) suggests that this variant is likely to be disruptive. In summary, the available evidence is currently insufficient to determine the role of this variant in disease. Therefore, it has been classified as a Variant of Uncertain Significance.

Blueprint Genetics
Classification: Uncertain significance. Last evaluated: 2022-04-08. Review status: criteria provided, single submitter. Criteria: ACMG Guidelines, 2015. Collection method: clinical testing. Allele origin: germline.

NM_001004334.4(GPR179):c.2611G>A (p.Glu871Lys)

Gene: GPR179 (G protein-coupled receptor 179; minus strand). Cytogenetic location: 17q12.
Variant type: single nucleotide variant.
Coding change: c.2611G>A on transcript NM_001004334.4 (MANE Select); coding-DNA position 2611, G replaced by A.
Protein change: p.Glu871Lys; replaces glutamic acid 871 with lysine.
Molecular consequence: missense variant.
Genome position (GRCh38, 1-based): chr17:38,330,958, C>T on the plus strand (G>A on the coding strand, the complement: GPR179 is on the minus strand). VCF-style: chr17-38330958-C-T. GRCh37 (hg19) VCF-style: chr17-36486841-C-T.
Other names: short protein forms E871K.
Identifiers: ClinVar variation 1354112 (VCV001354112.9), dbSNP rs763351074, ClinGen allele CA290105689.
Genomic context (GRCh38, chr17:38,330,958, plus strand): 5'-GCCTCCTGGCTGATGGCCTCCGCACCAGGCTGGCCATGGCTGCCTTGGCCTTCTTCCGCT[C>T]CTCCCGCTCCTTTGCTTGCCGGTAGGTCTCCTCCAGGTAGGCCTGGCTGGCCATGAGCAA-3'
Protein context (NP_001004334.3, residues 861-881): ETYRQAKERE[Glu871Lys]RKKAKAAMAS